The following is an entry in ClinVar:

NM_022089.4(ATP13A2):c.431A>T (p.Asp144Val)

Gene: ATP13A2 (ATPase cation transporting 13A2; minus strand). Cytogenetic location: 1p36.13.
Variant type: single nucleotide variant.
Coding change: c.431A>T on transcript NM_022089.4 (MANE Select); coding-DNA position 431, A replaced by T.
Protein change: p.Asp144Val; replaces aspartic acid 144 with valine.
Molecular consequence: missense variant.
Genome position (GRCh38, 1-based): chr1:17,004,738, T>A on the plus strand (A>T on the coding strand, the complement: ATP13A2 is on the minus strand). VCF-style: chr1-17004738-T-A. GRCh37 (hg19) VCF-style: chr1-17331233-T-A.
Other names: c.431A>T, p.Asp144Val (NM_001141973.3, NM_001141974.3); short protein forms D144V.
Identifiers: ClinVar variation 664804 (VCV000664804.35), dbSNP rs145031260, ClinGen allele CA637649.

ClinVar aggregate classification (germline): Uncertain significance. Review status: criteria provided, multiple submitters, no conflicts (2 of 4 stars). 4 submissions from 4 submitters: Uncertain significance (4). Last evaluated 2025-09-24.

Conditions:
Kufor-Rakeb syndrome (KRS). Also called: PARKINSON DISEASE 9, AUTOSOMAL RECESSIVE, JUVENILE-ONSET. Identifiers: Orphanet 306674, Orphanet 314632, MedGen C1847640, MONDO:0011706, OMIM 606693.
Autosomal recessive spastic paraplegia type 78. Identifiers: Orphanet 513436, MedGen C5567893, MONDO:0014975, OMIM 617225.
Inborn genetic diseases. Identifiers: MedGen C0950123, MeSH D030342.

Allele frequency attached by ClinVar (database versions not stated): gnomAD exomes below 0.00001 and 0.00005; ExAC 0.00002; gnomAD 0.00003; TOPMed 0.00004; ESP Exome Variant Server 0.00015.
gnomAD v4.1: 75 of 1,613,976 alleles (0.0046%); highest among the groups gnomAD compares: Non-Finnish European, 0.0058%; no homozygotes.

Submissions (4):

Ambry Genetics
Classification: Uncertain significance for Inborn genetic diseases. Last evaluated: 2025-09-24. Review status: criteria provided, single submitter. Criteria: Ambry Variant Classification Scheme 2023. Collection method: clinical testing. Allele origin: germline.

GeneDx
Classification: Uncertain significance. Last evaluated: 2025-02-25. Review status: criteria provided, single submitter. Criteria: GeneDx Variant Classification Process June 2021. Collection method: clinical testing. Allele origin: germline. Affected: yes.
Comment: Not observed at significant frequency in large population cohorts (gnomAD); In silico analysis supports that this missense variant has a deleterious effect on protein structure/function; Has not been previously published as pathogenic or benign to our knowledge

CeGaT Center for Human Genetics Tuebingen
Classification: Uncertain significance. Last evaluated: 2023-05-01. Review status: criteria provided, single submitter. Criteria: CeGaT Center For Human Genetics Tuebingen Variant Classification Criteria Version 2. Collection method: clinical testing. Allele origin: germline. Affected: yes. Observed: 1 variant allele.
Comment: ATP13A2: PM2, BP4

Labcorp Genetics (formerly Invitae), Labcorp
Classification: Uncertain significance for Kufor-Rakeb syndrome; Autosomal recessive spastic paraplegia type 78. Last evaluated: 2021-12-21. Review status: criteria provided, single submitter. Criteria: Invitae Variant Classification Sherloc (09022015). Collection method: clinical testing. Allele origin: germline.
Comment: This sequence change replaces aspartic acid, which is acidic and polar, with valine, which is neutral and non-polar, at codon 144 of the ATP13A2 protein (p.Asp144Val). This variant is present in population databases (rs145031260, gnomAD 0.002%). This variant has not been reported in the literature in individuals affected with ATP13A2-related conditions. ClinVar contains an entry for this variant (Variation ID: 664804). Advanced modeling of protein sequence and biophysical properties (such as structural, functional, and spatial information, amino acid conservation, physicochemical variation, residue mobility, and thermodynamic stability) performed at Invitae indicates that this missense variant is not expected to disrupt ATP13A2 protein function. Algorithms developed to predict the effect of sequence changes on RNA splicing suggest that this variant may create or strengthen a splice site. In summary, the available evidence is currently insufficient to determine the role of this variant in disease. Therefore, it has been classified as a Variant of Uncertain Significance.